The following is an entry in ClinVar:

NM_001374736.1(DST):c.20209C>G (p.Leu6737Val)

Gene: DST (dystonin; minus strand). Cytogenetic location: 6p12.1.
Variant type: single nucleotide variant.
Coding change: c.20209C>G on transcript NM_001374736.1 (MANE Select); coding-DNA position 20209, C replaced by G.
Protein change: p.Leu6737Val; replaces leucine 6737 with valine.
Molecular consequence: missense variant.
Genome position (GRCh38, 1-based): chr6:56,497,393, G>C on the plus strand (C>G on the coding strand, the complement: DST is on the minus strand). VCF-style: chr6-56497393-G-C. GRCh37 (hg19) VCF-style: chr6-56362191-G-C.
Other names: c.13852C>G, p.Leu4618Val (NM_001144769.5); c.13438C>G, p.Leu4480Val (NM_001144770.2); c.20209C>G, p.Leu6737Val (NM_001374722.1); c.19249C>G, p.Leu6417Val (NM_001374729.1); c.12991C>G, p.Leu4331Val (NM_001374730.1); c.20236C>G, p.Leu6746Val (NM_001374734.1); c.13318C>G, p.Leu4440Val (NM_001386100.1, NM_183380.4); c.12340C>G, p.Leu4114Val (NM_015548.5); short protein forms L4440V, L6737V, L4114V, L4331V, L6417V, L4480V, L4618V, L6746V.
Identifiers: ClinVar variation 1348295 (VCV001348295.6), dbSNP rs2152452363, ClinGen allele CA364518146.
Genomic context (GRCh38, chr6:56,497,393, plus strand): 5'-CAGTTTGTTATTCTGAGGCTAAAGCTGTAGGAAATACTTTGCTTACCATATGGACATTAA[G>C]CTGCTCCTTGGCTGTTTCCGGTAAACCTCCCAGCGGTTTAGATGCCAACAGATGACGCTC-3'
Protein context (NP_001361665.1, residues 6727-6747): GGLPETAKEQ[Leu6737Val]NVHMEVCAAF

ClinVar aggregate classification (germline): Uncertain significance (1 of 4 stars; one submission).

Conditions:
Hereditary sensory and autonomic neuropathy type 6. Also called: HSAN VI; Neuropathy, hereditary sensory and autonomic, type VI. Identifiers: Orphanet 314381, MedGen C3539003, MONDO:0013839, OMIM 614653.
Epidermolysis bullosa simplex 3, localized or generalized intermediate, with BP230 deficiency (EBS3). Also called: Epidermolysis bullosa simplex, autosomal recessive 2; Epidermolysis bullosa simplex due to BP230 deficiency. Identifiers: Orphanet 412181, MedGen C3809470, MONDO:0014180, OMIM 615425.

gnomAD v4.1: 5 of 1,613,008 alleles (0.00031%); highest among the groups gnomAD compares: Non-Finnish European, 0.00042%; no homozygotes.

Submission:

Labcorp Genetics (formerly Invitae), Labcorp
Classification: Uncertain significance for Epidermolysis bullosa simplex 3, localized or generalized intermediate, with BP230 deficiency; Hereditary sensory and autonomic neuropathy type 6. Last evaluated: 2022-06-27. Review status: criteria provided, single submitter. Criteria: Invitae Variant Classification Sherloc (09022015). Collection method: clinical testing. Allele origin: germline.
Comment: The DST gene has multiple clinically relevant transcripts. This variant occurs in alternate transcript NM_015548.4, and corresponds to NM_001723.5:c.*118124C>G in the primary transcript. This sequence change replaces leucine with valine at codon 4114 of the DST protein (p.Leu4114Val). This variant is not present in population databases (gnomAD no frequency). This variant has not been reported in the literature in individuals affected with DST-related conditions. Experimental studies and prediction algorithms are not available or were not evaluated, and the functional significance of this variant is currently unknown. Algorithms developed to predict the effect of sequence changes on RNA splicing suggest that this variant may create or strengthen a splice site. In summary, the available evidence is currently insufficient to determine the role of this variant in disease. Therefore, it has been classified as a Variant of Uncertain Significance.